The following is an entry in ClinVar:

ClinVar aggregate classification (germline): Conflicting classifications of pathogenicity. Review status: criteria provided, conflicting classifications (1 of 4 stars). 10 submissions from 10 submitters: Pathogenic (2); Likely pathogenic (4); Uncertain significance (1). 3 of the submissions do not count toward it. Last evaluated 2026-01-26.

Conditions:
RYR1-related disorder. Also called: RYR1-related condition; RYR1-related disorders. Identifiers: MedGen CN239331.
Malignant hyperthermia, susceptibility to, 1 (MHS1). Also called: Anesthesia related hyperthermia; Malignant hyperpyrexia; Fulminating hyperpyrexia; Pharmacogenic myopathy; Malignant hyperthermia suceptibility 1; RYR1-Related Malignant Hyperthermia Susceptibility. Identifiers: Orphanet 423, MedGen C2930980, MONDO:0007783, OMIM 145600.
RYR1-related myopathy. Identifiers: Orphanet 98742, MedGen CN305348, MONDO:0100150.
Congenital multicore myopathy with external ophthalmoplegia (CMYO1B). Also called: Congenital myopathy 1B, autosomal recessive; Minicore myopathy; MULTIMINICORE DISEASE WITH EXTERNAL OPHTHALMOPLEGIA; MULTICORE MYOPATHY; Minicore myopathy with external ophthalmoplegia. Identifiers: Orphanet 598, Orphanet 98905, MedGen C1850674, MONDO:0009712, OMIM 255320, HP:0003789.
Central core myopathy (CMYO1A). Also called: CONGENITAL MYOPATHY 1A, AUTOSOMAL DOMINANT, WITH SUSCEPTIBILITY TO MALIGNANT HYPERTHERMIA; Central core disease; Myopathy, central fibrillar. Identifiers: Orphanet 597, MedGen C5830701, MONDO:0007294, OMIM 117000.
King Denborough syndrome (KDS). Identifiers: MedGen C1840365, MONDO:0020485, OMIM 619542.

Allele frequency attached by ClinVar (database versions not stated): TOPMed 0.00003; gnomAD exomes 0.00004 and 0.00005; ExAC 0.00005; gnomAD 0.00005.
gnomAD v4.1: 59 of 1,613,394 alleles (0.0037%); highest among the groups gnomAD compares: Admixed American, 0.0083%; no homozygotes.

Submissions (10):

Labcorp Genetics (formerly Invitae), Labcorp
Classification: Pathogenic for RYR1-related disorder. Last evaluated: 2026-01-26. Review status: criteria provided, single submitter. Criteria: Invitae Variant Classification Sherloc (09022015). Collection method: clinical testing. Allele origin: germline.
Comment: This sequence change replaces glycine, which is neutral and non-polar, with arginine, which is basic and polar, at codon 4782 of the RYR1 protein (p.Gly4782Arg). This variant is present in population databases (rs746538672, gnomAD 0.01%). This missense change has been observed in individual(s) with autosomal recessive congenital myopathy and fetal akinesia (PMID: 26275793, 29096039). In at least one individual the data is consistent with being in trans (on the opposite chromosome) from a pathogenic variant. ClinVar contains an entry for this variant (Variation ID: 285009). Invitae Evidence Modeling of protein sequence and biophysical properties (such as structural, functional, and spatial information, amino acid conservation, physicochemical variation, residue mobility, and thermodynamic stability) indicates that this missense variant is expected to disrupt RYR1 protein function with a positive predictive value of 80%. For these reasons, this variant has been classified as Pathogenic.

GeneDx
Classification: Pathogenic. Last evaluated: 2025-11-18. Review status: criteria provided, single submitter. Criteria: GeneDx Variant Classification Process June 2021. Collection method: clinical testing. Allele origin: germline. Affected: yes.
Comment: Not observed at significant frequency in large population cohorts (gnomAD); In silico analysis supports that this missense variant has a deleterious effect on protein structure/function; This variant is associated with the following publications: (PMID: 26275793, 30266093, 29096039, 30652412, 32097819, 16084090, 34262519, 20681998, 33767344)

ARUP Laboratories, Molecular Genetics and Genomics, ARUP Laboratories
Classification: Likely pathogenic. Last evaluated: 2025-01-06. Review status: criteria provided, single submitter. Criteria: ARUP Molecular Germline Variant Investigation Process 2024. Collection method: clinical testing. Allele origin: germline.
Comment: The RYR1 c.14344G>A; p.Gly4782Arg variant (rs746538672; ClinVar Variation ID: 285009), is reported in the literature in multiple individuals affected with severe neonatal myopathies and who also carry an additional pathogenic RYR1 variant (Alkhunaizi 2019, Mauri 2021, Stals 2018, Westerfield 2015). This variant is found in the non-Finnish European population with an allele frequency of 0.009% (12/128346 alleles) in the Genome Aggregation Database (v2.1.1). Computational analyses predict that this variant is deleterious (REVEL: 0.866). Based on available information, this variant is considered to be likely pathogenic. References: Alkhunaizi E et al. Homozygous/compound heterozygote RYR1 gene variants: Expanding the clinical spectrum. Am J Med Genet A. 2019 Mar;179(3):386-396. PMID: 30652412. Mauri E et al. Early Findings in Neonatal Cases of RYR1-Related Congenital Myopathies. Front Neurol. 2021 Jun 28;12:664618. PMID: 34262519 Stals KL et al. Diagnosis of lethal or prenatal-onset autosomal recessive disorders by parental exome sequencing. Prenat Diagn. 2018 Jan;38(1):33-43. PMID: 29096039. Westerfield LE et al. Reproductive genetic counseling challenges associated with diagnostic exome sequencing in a large academic private reproductive genetic counseling practice. Prenat Diagn. 2015 Oct;35(10):1022-9. PMID: 26275793.

Color Diagnostics, LLC DBA Color Health
Classification: Uncertain significance for Malignant hyperthermia, susceptibility to, 1. Last evaluated: 2024-04-04. Review status: criteria provided, single submitter. Criteria: ACMG Guidelines, 2015. Collection method: clinical testing. Allele origin: germline.
Comment: This missense variant replaces glycine with arginine at codon 4782 of the RYR1 protein. Computational prediction suggests that this variant may have deleterious impact on protein structure and function. To our knowledge, functional studies have not been reported for this variant. This variant has not been reported in individuals affected with autosomal dominant malignant hyperthermia in the literature, although it is associated with other phenotype(s) (ClinVar Variation ID: 285009). This variant has been identified in 15/281420 chromosomes in the general population by the Genome Aggregation Database (gnomAD). Due to insufficient evidence, this variant is classified as a Variant of Uncertain Significance for autosomal dominant malignant hyperthermia.

PreventionGenetics, part of Exact Sciences
Classification: Likely pathogenic for RYR1-related condition. Last evaluated: 2023-09-24. Review status: criteria provided, single submitter. Criteria: ACMG Guidelines, 2015. Collection method: clinical testing. Allele origin: germline.
Comment: The RYR1 c.14344G>A variant is predicted to result in the amino acid substitution p.Gly4782Arg. This variant has been reported in the compound heterozygous state in individuals with fetal akinesia and/or RYR-related congenital myopathy (Westerfield et al 2015. PubMed ID: 26275793; Stals et al 2017. PubMed ID: 29096039; Normand. 2018. PubMed ID: 30266093; Alkhunaizi et al 2019. PubMed ID: 30652412; Mauri et al 2021. PubMed ID: 34262519). This variant is reported in 0.0093% of alleles in individuals of European (non-Finnish) descent in gnomAD. This variant is interpreted as likely pathogenic for autosomal recessive RYR1-related disorder.

Department of Pathology and Laboratory Medicine, Sinai Health System
Classification: Likely pathogenic for Congenital multicore myopathy with external ophthalmoplegia; Central core myopathy; King Denborough syndrome. Last evaluated: 2023-04-13. Review status: criteria provided, single submitter. Criteria: ACMG Guidelines, 2015. Collection method: research. Allele origin: germline.

Broad Center for Mendelian Genomics, Broad Institute of MIT and Harvard
Classification: Likely pathogenic for RYR1-related myopathy. Last evaluated: 2023-01-25. Review status: criteria provided, single submitter. Criteria: ACMG Guidelines, 2015. Collection method: curation. Allele origin: germline. Inheritance: Autosomal recessive inheritance.
Comment: Trio exome analysis revealed that this variant was in trans with a variant of uncertain significance (NC_000019.10:g.38528622T>C). The p.Gly4782Arg variant in RYR1 has been reported in two individuals with RYR1-related myopathy (PMID: 26275793, PMID: 29096039) but has been identified in 0.009% (12/128346) of European (non-Finnish) chromosomes by the Genome Aggregation Database (gnomAD; dbSNP ID: rs746538672). Although this variant has been seen in the general population in a heterozygous state, its frequency is low enough to be consistent with a recessive carrier frequency. The two affected individuals reported were compound heterozygotes that each carried a reported likely pathogenic variant in trans (PMID: 26275793, ClinVar Variation ID: 419522; PMID: 29096039), which increases the likelihood that the p.Gly4782Arg variant is pathogenic. This variant has also been reported in ClinVar (Variation ID: 285009) and has been interpreted as pathogenic by Invitae, as likely pathogenic by GeneDx, and as a variant of uncertain significance by Eurofins NTD LLC. Computational prediction tools and conservation analyses suggest that this variant may impact the protein, though this information is not predictive enough to determine pathogenicity. In summary, although additional studies are required to fully establish its clinical significance, this variant is likely pathogenic for autosomal recessive RYR1-related myopathy. ACMG/AMP Criteria applied: PM3_Strong, PM2_Supporting, PP3 (Richards 2015).

All of Us Research Program, National Institutes of Health
Classification: Uncertain significance for Malignant hyperthermia, susceptibility to, 1. Last evaluated: 2024-08-29. Review status: flagged submission. Criteria: ACMG Guidelines, 2015. Collection method: clinical testing. Allele origin: germline. Inheritance: Autosomal dominant inheritance. Observed: 5 variant alleles, 5 heterozygotes. Not counted in ClinVar's aggregate classification.
Comment: This missense variant replaces glycine with arginine at codon 4782 of the RYR1 protein. Computational prediction suggests that this variant may have deleterious impact on protein structure and function (internally defined REVEL score threshold >= 0.7, PMID: 27666373). To our knowledge, functional studies have not been reported for this variant. This variant has not been reported in individuals affected with autosomal dominant malignant hyperthermia in the literature, although it is associated with other phenotype(s) (ClinVar Variation ID: 285009). This variant has been identified in 15/281420 chromosomes in the general population by the Genome Aggregation Database (gnomAD). Due to insufficient evidence, this variant is classified as a Variant of Uncertain Significance for autosomal dominant malignant hyperthermia.

This study involves interpretation of variants in research participants for the purpose of population health screening. Participant phenotype was not available at the time of variant classification. Additional details can be found in publication PMID: 35346344, PMCID: PMC8962531
ClinVar note: Reason: Claim with insufficient supporting evidence

Revvity Omics, Revvity
Classification: Uncertain significance. Last evaluated: 2024-02-02. Review status: flagged submission. Criteria: ACMG Guidelines, 2015. Collection method: clinical testing. Allele origin: germline. Not counted in ClinVar's aggregate classification.
ClinVar note: Reason: Claim with insufficient supporting evidence

Eurofins Ntd Llc (ga)
Classification: Uncertain significance. Last evaluated: 2015-11-30. Review status: flagged submission. Criteria: EGL Classification Definitions 2015. Collection method: clinical testing. Allele origin: germline. Observed: 2 variant alleles, 2 heterozygotes. Not counted in ClinVar's aggregate classification.
ClinVar note: Reason: Claim with insufficient supporting evidence

Literature cited by the submitters: PubMed 26275793 (cited by Labcorp Genetics (formerly Invitae), Labcorp); PubMed 29096039 (cited by Labcorp Genetics (formerly Invitae), Labcorp).

NM_000540.3(RYR1):c.14344G>A (p.Gly4782Arg)

Gene: RYR1 (ryanodine receptor 1; plus strand). Cytogenetic location: 19q13.2.
Variant type: single nucleotide variant.
Coding change: c.14344G>A on transcript NM_000540.3 (MANE Select); coding-DNA position 14344, G replaced by A.
Protein change: p.Gly4782Arg; replaces glycine 4782 with arginine.
Molecular consequence: missense variant.
Genome position (GRCh38, 1-based): chr19:38,578,184, G>A. VCF-style: chr19-38578184-G-A. GRCh37 (hg19) VCF-style: chr19-39068824-G-A.
Other names: NM_000540.3(RYR1):c.14344G>A; p.Gly4782Arg; c.14329G>A, p.Gly4777Arg (NM_001042723.2); short protein forms G4782R, G4777R.
Identifiers: ClinVar variation 285009 (VCV000285009.29), dbSNP rs746538672, ClinGen allele CA061124.